The following is an entry in ClinVar:

NM_138694.4(PKHD1):c.2444A>G (p.Gln815Arg)

Gene: PKHD1 (PKHD1 ciliary IPT domain containing fibrocystin/polyductin; minus strand). Cytogenetic location: 6p12.2.
Variant type: single nucleotide variant.
Coding change: c.2444A>G on transcript NM_138694.4 (MANE Select); coding-DNA position 2444, A replaced by G.
Protein change: p.Gln815Arg; replaces glutamine 815 with arginine.
Molecular consequence: missense variant.
Genome position (GRCh38, 1-based): chr6:52,046,152, T>C on the plus strand (A>G on the coding strand, the complement: PKHD1 is on the minus strand). VCF-style: chr6-52046152-T-C. GRCh37 (hg19) VCF-style: chr6-51910950-T-C.
Other names: p.Gln815Arg; c.2444A>G, p.Gln815Arg (NM_170724.3); short protein forms Q815R.
Identifiers: ClinVar variation 596463 (VCV000596463.23), dbSNP rs145789167, ClinGen allele CA3853205.

ClinVar aggregate classification (germline): Conflicting classifications of pathogenicity. Review status: criteria provided, conflicting classifications (1 of 4 stars). 7 submissions from 7 submitters: Uncertain significance (6); Likely benign (1). Last evaluated 2026-01-26.

Conditions:
Inborn genetic diseases. Identifiers: MedGen C0950123, MeSH D030342.
Polycystic kidney disease 4 (PKD4). Also called: Autosomal Recessive Polycystic Kidney Disease – PKHD1; POLYCYSTIC KIDNEY AND HEPATIC DISEASE 1; POLYCYSTIC KIDNEY DISEASE, INFANTILE, TYPE I; POLYCYSTIC KIDNEY DISEASE 4 WITH OR WITHOUT POLYCYSTIC LIVER DISEASE; PKD3. Identifiers: MedGen C4540575, MONDO:0033004, OMIM 263200.
Autosomal recessive polycystic kidney disease (ARPKD). Also called: AR polycystic kidney disease. Identifiers: Orphanet 731, Orphanet 8378, MedGen C0085548, MeSH D017044, MONDO:0009889.

Allele frequency attached by ClinVar (database versions not stated): gnomAD 0.00009; TOPMed 0.00010; gnomAD exomes 0.00016 and 0.00023; ExAC 0.00019; ESP Exome Variant Server 0.00046.
gnomAD v4.1: 350 of 1,613,648 alleles (0.022%); highest among the groups gnomAD compares: Non-Finnish European, 0.028%; no homozygotes.

Submissions (7):

Labcorp Genetics (formerly Invitae), Labcorp
Classification: Likely benign for Autosomal recessive polycystic kidney disease. Last evaluated: 2026-01-26. Review status: criteria provided, single submitter. Criteria: Invitae Variant Classification Sherloc (09022015). Collection method: clinical testing. Allele origin: germline.

Mayo Clinic Laboratories, Mayo Clinic
Classification: Uncertain significance. Last evaluated: 2025-09-11. Review status: criteria provided, single submitter. Criteria: ACMG Guidelines, 2015. Collection method: clinical testing. Allele origin: germline. Observed: 2 variant alleles.
Comment: BP4_moderate

Department of Pathology and Laboratory Medicine, Sinai Health System
Classification: Uncertain significance for Polycystic kidney disease 4. Last evaluated: 2024-10-08. Review status: criteria provided, single submitter. Criteria: ACMG Guidelines, 2015. Collection method: clinical testing. Allele origin: germline.

Blueprint Genetics
Classification: Uncertain significance. Last evaluated: 2024-03-28. Review status: criteria provided, single submitter. Criteria: ACMG Guidelines, 2015. Collection method: clinical testing. Allele origin: germline.

Ambry Genetics
Classification: Uncertain significance for Inborn genetic diseases. Last evaluated: 2021-09-14. Review status: criteria provided, single submitter. Criteria: Ambry Variant Classification Scheme 2023. Collection method: clinical testing. Allele origin: germline.

Eurofins Ntd Llc (ga)
Classification: Uncertain significance. Last evaluated: 2018-03-15. Review status: criteria provided, single submitter. Criteria: EGL ClinVar v180209 classification definitions. Collection method: clinical testing. Allele origin: germline. Observed: 1 variant allele, 1 heterozygote.

Illumina Laboratory Services, Illumina
Classification: Uncertain significance for Polycystic kidney disease 4. Last evaluated: 2017-04-27. Review status: criteria provided, single submitter. Criteria: ICSL Variant Classification Criteria 13 December 2019. Collection method: clinical testing. Allele origin: germline.

Literature cited by the submitters: PubMed 31308072 (cited by Mayo Clinic Laboratories, Mayo Clinic).